The following is an entry in ClinVar:

ClinVar aggregate classification (germline): Uncertain significance (1 of 4 stars; one submission).

Conditions:
Immunodeficiency 51 (IMD51). Also called: CANDIDIASIS, FAMILIAL, 5. Identifiers: Orphanet 1334, MedGen C4310803, MONDO:0013500, OMIM 613953.

gnomAD v4.1: 2 of 1,613,670 alleles (0.00012%); highest among the groups gnomAD compares: Non-Finnish European, 0.00017%; no homozygotes.

Submission:

Labcorp Genetics (formerly Invitae), Labcorp
Classification: Uncertain significance for Immunodeficiency 51. Last evaluated: 2024-10-21. Review status: criteria provided, single submitter. Criteria: Invitae Variant Classification Sherloc (09022015). Collection method: clinical testing. Allele origin: germline.
Comment: This sequence change replaces threonine, which is neutral and polar, with isoleucine, which is neutral and non-polar, at codon 359 of the IL17RA protein (p.Thr359Ile). This variant is present in population databases (rs745404600, gnomAD 0.0009%). This variant has not been reported in the literature in individuals affected with IL17RA-related conditions. Invitae Evidence Modeling of protein sequence and biophysical properties (such as structural, functional, and spatial information, amino acid conservation, physicochemical variation, residue mobility, and thermodynamic stability) has been performed for this missense variant. However, the output from this modeling did not meet the statistical confidence thresholds required to predict the impact of this variant on IL17RA protein function. In summary, the available evidence is currently insufficient to determine the role of this variant in disease. Therefore, it has been classified as a Variant of Uncertain Significance.

NM_014339.7(IL17RA):c.1076C>T (p.Thr359Ile)

Genes: IL17RA (interleukin 17 receptor A; plus strand), LOC126863094 (MED14-independent group 3 enhancer GRCh37_chr22:17587847-17589046; plus strand). Cytogenetic location: 22q11.1.
Variant type: single nucleotide variant.
Coding change: c.1076C>T on transcript NM_014339.7 (MANE Select); coding-DNA position 1076, C replaced by T.
Protein change: p.Thr359Ile; replaces threonine 359 with isoleucine.
Molecular consequence: missense variant.
Genome position (GRCh38, 1-based): chr22:17,107,757, C>T. VCF-style: chr22-17107757-C-T. GRCh37 (hg19) VCF-style: chr22-17588647-C-T.
Other names: c.974C>T, p.Thr325Ile (NM_001289905.2); short protein forms T325I, T359I.
Identifiers: ClinVar variation 3678569 (VCV003678569.2).